The following is an entry in ClinVar:

NM_020778.5(ALPK3):c.68G>A (p.Gly23Asp)

Gene: ALPK3 (alpha kinase 3; plus strand). Cytogenetic location: 15q25.3.
Variant type: single nucleotide variant.
Coding change: c.68G>A on transcript NM_020778.5 (MANE Select); coding-DNA position 68, G replaced by A.
Protein change: p.Gly23Asp; replaces glycine 23 with aspartic acid.
Molecular consequence: missense variant.
Genome position (GRCh38, 1-based): chr15:84,817,520, G>A. VCF-style: chr15-84817520-G-A. GRCh37 (hg19) VCF-style: chr15-85360751-G-A.
Other names: short protein forms G23D.
Identifiers: ClinVar variation 5036404 (VCV005036404.1).

ClinVar aggregate classification (germline): Uncertain significance (1 of 4 stars; one submission).

Conditions:
Cardiovascular phenotype. Identifiers: MedGen CN230736.

gnomAD v4.1: 1 of 1,481,902 alleles (0.000067%); highest among the groups gnomAD compares: South Asian, 0.0013%; no homozygotes.

Submission:

Ambry Genetics
Classification: Uncertain significance for Cardiovascular phenotype. Last evaluated: 2026-06-22. Review status: criteria provided, single submitter. Criteria: Ambry Variant Classification Scheme 2023. Collection method: clinical testing. Allele origin: germline.
Comment: The p.G225D variant (also known as c.674G>A), located in coding exon 1 of the ALPK3 gene, results from a G to A substitution at nucleotide position 674. The glycine at codon 225 is replaced by aspartic acid, an amino acid with similar properties. This amino acid position is conserved. In addition, this alteration is predicted to be tolerated by in silico analysis. Based on the available evidence, the clinical significance of this variant remains unclear.